The following is an entry in ClinVar:

ClinVar aggregate classification (germline): Uncertain significance (1 of 4 stars; one submission).

Conditions:
Inborn genetic diseases. Identifiers: MedGen C0950123, MeSH D030342.

Submission:

Ambry Genetics
Classification: Uncertain significance for Inborn genetic diseases. Last evaluated: 2019-12-27. Review status: criteria provided, single submitter. Criteria: Ambry Variant Classification Scheme 2023. Collection method: clinical testing. Allele origin: germline.
Comment: The alteration results in an amino acid change:_x000D_ _x000D_ The c.1223G>A (p.G408E) alteration is located in exon 10 (coding exon 9) of the ATP6V1A gene. This alteration results from a G to A substitution at nucleotide position 1223, causing the glycine (G) at amino acid position 408 to be replaced by a glutamic acid (E). The alteration is not observed in population databases: _x000D_ _x000D_ Based on data from the Genome Aggregation Database (gnomAD), the ATP6V1A c.1223G>A alteration was not observed, with coverage at this position. The altered amino acid is conserved throughout evolution:_x000D_ _x000D_ The p.G408 amino acid is conserved in available vertebrate species. The alteration is predicted deleterious by in silico modeling:_x000D_ _x000D_ The p.G408E alteration is predicted to be deleterious by in silico analysis. Based on insufficient or conflicting evidence, the clinical significance of this alteration remains unclear.

NM_001690.4(ATP6V1A):c.1223G>A (p.Gly408Glu)

Gene: ATP6V1A (ATPase H+ transporting V1 subunit A; plus strand). Cytogenetic location: 3q13.31.
Variant type: single nucleotide variant.
Coding change: c.1223G>A on transcript NM_001690.4 (MANE Select); coding-DNA position 1223, G replaced by A.
Protein change: p.Gly408Glu; replaces glycine 408 with glutamic acid.
Molecular consequence: missense variant.
Genome position (GRCh38, 1-based): chr3:113,795,201, G>A. VCF-style: chr3-113795201-G-A. GRCh37 (hg19) VCF-style: chr3-113514048-G-A.
Other names: short protein forms G408E.
Identifiers: ClinVar variation 985523 (VCV000985523.4), dbSNP rs1709140313, ClinGen allele CA354019071.
Genomic context (GRCh38, chr3:113,795,201, plus strand): 5'-GAGCAGGCAGGGTGAAATGTCTTGGAAATCCTGAAAGAGAAGGGAGTGTCAGCATTGTAG[G>A]AGCGTAAGCACCCACACTATTTACTTTGCAAAAGGAAAAAAGTCACAGATGTATTAAAGA-3'
Protein context (NP_001681.2, residues 398-418): PEREGSVSIV[Gly408Glu]AVSPPGGDFS